The following is an entry in ClinVar:

ClinVar aggregate classification (germline): Uncertain significance. Review status: criteria provided, multiple submitters, no conflicts (2 of 4 stars). 3 submissions from 3 submitters: Uncertain significance (3). Last evaluated 2025-09-16.

Conditions:
BBS9-related disorder. Also called: BBS9-related condition.
Bardet-Biedl syndrome (BBS). Identifiers: Orphanet 110, MedGen C0752166, MONDO:0015229.
Bardet-Biedl syndrome 9 (BBS9). Identifiers: Orphanet 110, MedGen C1859567, MONDO:0014437, OMIM 615986.

Allele frequency attached by ClinVar (database versions not stated): gnomAD 0.00001; gnomAD exomes 0.00001 and 0.00002; TOPMed 0.00001; ExAC 0.00002.

Submissions (3):

PreventionGenetics, part of Exact Sciences
Classification: Uncertain significance for BBS9-related condition. Last evaluated: 2025-09-16. Review status: criteria provided, single submitter. Criteria: ACMG Guidelines, 2015. Collection method: clinical testing. Allele origin: germline.
Comment: The BBS9 c.2294_2296delAAT variant is predicted to result in an in-frame deletion (p.Glu765_Leu766delinsVal). To our knowledge, this variant has not been reported in the literature. This variant is reported in 0.017% of alleles in individuals of Latino descent in gnomAD. At this time, the clinical significance of this variant is uncertain due to the absence of conclusive functional and genetic evidence.

Labcorp Genetics (formerly Invitae), Labcorp
Classification: Uncertain significance for Bardet-Biedl syndrome. Last evaluated: 2022-07-18. Review status: criteria provided, single submitter. Criteria: Invitae Variant Classification Sherloc (09022015). Collection method: clinical testing. Allele origin: germline.
Comment: Experimental studies and prediction algorithms are not available or were not evaluated, and the functional significance of this variant is currently unknown. In summary, the available evidence is currently insufficient to determine the role of this variant in disease. Therefore, it has been classified as a Variant of Uncertain Significance. ClinVar contains an entry for this variant (Variation ID: 1496041). This variant has not been reported in the literature in individuals affected with BBS9-related conditions. This variant is present in population databases (rs752782918, gnomAD 0.02%). This variant, c.2294_2296del, is a complex sequence change that results in the deletion of 2 and insertion of 1 amino acid(s) in the BBS9 protein (p.Glu765_Leu766delinsVal).

Fulgent Genetics
Classification: Uncertain significance for Bardet-Biedl syndrome 9. Last evaluated: 2022-03-16. Review status: criteria provided, single submitter. Criteria: ACMG Guidelines, 2015. Collection method: clinical testing. Allele origin: unknown.

NM_198428.3(BBS9):c.2294_2296del (p.Glu765_Leu766delinsVal)

Gene: BBS9 (Bardet-Biedl syndrome 9; plus strand). Cytogenetic location: 7p14.3.
Variant type: Deletion.
Coding change: c.2294_2296del on transcript NM_198428.3 (MANE Select); coding-DNA positions 2294 to 2296, 3 bases deleted (AAT; older notation c.2294_2296delAAT).
Protein change: p.Glu765_Leu766delinsVal.
Molecular consequence: inframe indel. On other transcripts: non-coding transcript variant (3), intron variant (1).
Genome position (GRCh38, 1-based): chr7:33,505,641-33,505,643, AAT deleted. VCF-style (leftmost placement, unchanged base first): chr7-33505640-GAAT-G. GRCh37 (hg19) VCF-style: chr7-33545252-GAAT-G.
Other names: c.2189_2191del, p.Glu730_Leu731delinsVal (NM_001033604.2); c.2279_2281del, p.Glu760_Leu761delinsVal (NM_001033605.2); c.2294_2296del, p.Glu765_Leu766delinsVal (NM_001348036.1, NM_001348041.4, NM_001348043.3 and 1 more transcripts); c.2021_2023del, p.Glu674_Leu675delinsVal (NM_001348038.3); c.1916_1918del, p.Glu639_Leu640delinsVal (NM_001348039.3); c.2174_2176del, p.Glu725_Leu726delinsVal (NM_001348040.3, NM_014451.4); c.2159_2161del, p.Glu720_Leu721delinsVal (NM_001348042.3); c.1823_1825del, p.Glu608_Leu609delinsVal (NM_001348044.3); and 3 more.
Identifiers: ClinVar variation 1496041 (VCV001496041.7), dbSNP rs752782918, ClinGen allele CA4214646.